The following is an entry in ClinVar:

ClinVar aggregate classification (germline): Conflicting classifications of pathogenicity. Review status: criteria provided, conflicting classifications (1 of 4 stars). 4 submissions from 4 submitters: Uncertain significance (1); Likely benign (3). Last evaluated 2025-11-04.

Conditions:
Familial adenomatous polyposis 1 (FAP1). Also called: FAMILIAL ADENOMATOUS POLYPOSIS 1, ATTENUATED; POLYPOSIS, ADENOMATOUS INTESTINAL. Identifiers: MedGen C2713442, MONDO:0021056, OMIM 175100. Disease mechanism: loss of function.
Hereditary cancer-predisposing syndrome. Also called: Tumor predisposition; Hereditary Cancer Syndrome; Hereditary neoplastic syndrome; Neoplastic Syndromes, Hereditary. Identifiers: Orphanet 140162, MedGen C0027672, MeSH D009386, MONDO:0015356.

Submissions (4):

Labcorp Genetics (formerly Invitae), Labcorp
Classification: Likely benign for Familial adenomatous polyposis 1. Last evaluated: 2025-11-04. Review status: criteria provided, single submitter. Criteria: Invitae Variant Classification Sherloc (09022015). Collection method: clinical testing. Allele origin: germline.

Ambry Genetics
Classification: Likely benign for Hereditary cancer-predisposing syndrome. Last evaluated: 2025-04-11. Review status: criteria provided, single submitter. Criteria: Ambry Variant Classification Scheme 2023. Collection method: clinical testing. Allele origin: germline.

GeneDx
Classification: Uncertain significance. Last evaluated: 2023-08-26. Review status: criteria provided, single submitter. Criteria: GeneDx Variant Classification Process June 2021. Collection method: clinical testing. Allele origin: germline. Affected: yes.
Comment: Not observed at significant frequency in large population cohorts (gnomAD); In silico analysis supports that this variant does not alter splicing; Has not been previously published as pathogenic or benign to our knowledge

Color Diagnostics, LLC DBA Color Health
Classification: Likely benign for Hereditary cancer-predisposing syndrome. Last evaluated: 2016-09-08. Review status: criteria provided, single submitter. Criteria: ACMG Guidelines, 2015. Collection method: clinical testing. Allele origin: germline.

NM_000038.6(APC):c.1958+1_1958+4dup

Gene: APC (APC regulator of Wnt signaling pathway; plus strand). Cytogenetic location: 5q22.2.
Variant type: Duplication.
Coding change: c.1958+1_1958+4dup on transcript NM_000038.6 (MANE Select); the canonical splice donor site of the intron after coding-DNA position 1958 through 4 bases into the intron after coding-DNA position 1958, 4 bases duplicated (GTAT; older notation c.1958+1_1958+4dupGTAT).
Molecular consequence: splice donor variant.
Genome position (GRCh38, 1-based): chr5:112,835,166-112,835,169, GTAT duplicated. VCF-style (leftmost placement, unchanged base first): chr5-112835165-G-GGTAT. GRCh37 (hg19) VCF-style: chr5-112170862-G-GGTAT.
Other names: c.1958+1_1958+4dup (NM_001354895.2, NM_001127510.3); c.1988+1_1988+4dup (NM_001354897.2); c.1685+1_1685+4dup (NM_001354902.2); c.1904+1_1904+4dup (NM_001127511.3); c.1883+1_1883+4dup (NM_001354898.2); c.1580+1_1580+4dup (NM_001354904.2); c.1109+1_1109+4dup (NM_001354906.2); c.2012+1_2012+4dup (NM_001354896.2); and 6 more.
Identifiers: ClinVar variation 411532 (VCV000411532.18), dbSNP rs1060503356, ClinGen allele CA16611632.